The following is an entry in ClinVar:

ClinVar aggregate classification (germline): Pathogenic (1 of 4 stars; one submission).

Submission:

Labcorp Genetics (formerly Invitae), Labcorp
Classification: Pathogenic. Last evaluated: 2022-09-23. Review status: criteria provided, single submitter. Criteria: Invitae Variant Classification Sherloc (09022015). Collection method: clinical testing. Allele origin: germline.
Comment: This sequence change creates a premature translational stop signal (p.Glu196Metfs*5) in the CLPP gene. It is expected to result in an absent or disrupted protein product. Loss-of-function variants in CLPP are known to be pathogenic (PMID: 23851121, 27899912). This variant is not present in population databases (gnomAD no frequency). This variant has not been reported in the literature in individuals affected with CLPP-related conditions. For these reasons, this variant has been classified as Pathogenic.

Literature cited by the submitters: PubMed 23851121; PubMed 27899912.

NM_006012.4(CLPP):c.585_586insAT (p.Glu196fs)

Gene: CLPP (caseinolytic mitochondrial matrix peptidase proteolytic subunit; plus strand). Cytogenetic location: 19p13.3.
Variant type: Insertion.
Coding change: c.585_586insAT on transcript NM_006012.4 (MANE Select); coding-DNA positions 585 to 586, AT inserted.
Protein change: p.Glu196fs; shifts the reading frame from glutamic acid 196.
Molecular consequence: frameshift variant.
Genome position: GRCh38 VCF-style: chr19-6366287-A-AAT. GRCh37 (hg19) VCF-style: chr19-6366298-A-AAT.
Other names: short protein forms E196fs.
Identifiers: ClinVar variation 2031987 (VCV002031987.4), dbSNP rs2512446307, ClinGen allele CA2580097089.